The following is an entry in ClinVar:

ClinVar aggregate classification (germline): Pathogenic/Likely pathogenic. Review status: criteria provided, multiple submitters, no conflicts (2 of 4 stars). 7 submissions from 7 submitters: Pathogenic (3); Likely pathogenic (3). 1 of the submissions does not count toward it. Last evaluated 2024-10-30.

Conditions:
Cardiovascular phenotype. Identifiers: MedGen CN230736.
Marfan syndrome (MFS). Also called: MARFAN SYNDROME, TYPE I; FBN1-Related Marfan Syndrome; Marfan syndrome, classic; Marfan syndrome type 1; Marfan's syndrome. Identifiers: Orphanet 284963, Orphanet 558, MedGen C0024796, MONDO:0007947, OMIM 154700.
Familial thoracic aortic aneurysm and aortic dissection (TAAD). Also called: Thoracic aortic aneurysms and dissections. Identifiers: Orphanet 91387, MedGen C4707243, MONDO:0019625.

Submissions (7):

GeneDx
Classification: Likely pathogenic. Last evaluated: 2024-10-30. Review status: criteria provided, single submitter. Criteria: GeneDx Variant Classification Process June 2021. Collection method: clinical testing. Allele origin: germline. Affected: yes.
Comment: Additionally, this variant was listed in a study validating the detection of mutations in individuals with Marfan and Loeys-Dietz syndrome by massive parallel sequencing (Baetens et al., 2011). The I1909T variant was not observed in approximately 6,500 individuals of European and African American ancestry in the NHLBI Exome Sequencing Project, indicating it is not a common benign variant in these populations. This substitution occurs at a position where amino acids with similar properties to Isoleucine are tolerated across species. Missense variants in nearby residues have been reported in association with Marfan syndrome (Stenson et al, 2014). However, while the I1909T variant is located in a calcium-binding EGF-like domain of the fibrillin-1 protein, it does not affect a Cysteine residue within this domain. Cysteine substitutions in calcium-binding EGF-like domains represent the majority of pathogenic missense changes associated with Marfan syndrome (Collod-Beroud et al., 2003). Furthermore, in silico analysis is inconsistent in its predictions as to whether or not the variant is damaging to the protein structure/function. In summary, additional evidence is needed to determine whether this variant is pathogenic or a rare benign variant

Division of Human Genetics, National Health Laboratory Service/University of the Witwatersrand
Classification: Pathogenic for Marfan syndrome. Last evaluated: 2023-07-01. Review status: criteria provided, single submitter. Criteria: ACMG Guidelines, 2015. Collection method: research. Allele origin: germline. Affected: yes.

Laboratory of Medical Genetics, National & Kapodistrian University of Athens
Classification: Pathogenic for Marfan syndrome. Last evaluated: 2023-06-13. Review status: criteria provided, single submitter. Criteria: ACMG Guidelines, 2015. Collection method: clinical testing. Allele origin: germline. Affected: yes.
Comment: PS4, PM1, PM2, PP3, PP5

Labcorp Genetics (formerly Invitae), Labcorp
Classification: Pathogenic for Marfan syndrome; Familial thoracic aortic aneurysm and aortic dissection. Last evaluated: 2022-12-18. Review status: criteria provided, single submitter. Criteria: Invitae Variant Classification Sherloc (09022015). Collection method: clinical testing. Allele origin: germline.
Comment: This sequence change replaces isoleucine, which is neutral and non-polar, with threonine, which is neutral and polar, at codon 1909 of the FBN1 protein (p.Ile1909Thr). For these reasons, this variant has been classified as Pathogenic. This variant disrupts the p.Ile1909 amino acid residue in FBN1. Other variant(s) that disrupt this residue have been observed in individuals with FBN1-related conditions (PMID: 19293843), which suggests that this may be a clinically significant amino acid residue. Advanced modeling of protein sequence and biophysical properties (such as structural, functional, and spatial information, amino acid conservation, physicochemical variation, residue mobility, and thermodynamic stability) has been performed at Invitae for this missense variant, however the output from this modeling did not meet the statistical confidence thresholds required to predict the impact of this variant on FBN1 protein function. ClinVar contains an entry for this variant (Variation ID: 200189). This missense change has been observed in individual(s) with clinical features of Marfan syndrome (PMID: 11700157, 21542060, 33230159; Invitae). In at least one individual the variant was observed to be de novo. This variant is not present in population databases (gnomAD no frequency).

Centre of Medical Genetics, University of Antwerp
Classification: Likely pathogenic for Marfan syndrome. Last evaluated: 2021-03-01. Review status: criteria provided, single submitter. Criteria: Submitter's publication. Collection method: research. Allele origin: unknown. Affected: yes.
Comment: PM2, PS1, PP4

Ambry Genetics
Classification: Likely pathogenic for Cardiovascular phenotype. Last evaluated: 2020-01-09. Review status: criteria provided, single submitter. Criteria: Ambry Autosomal Dominant and X-Linked criteria (3/2017). Collection method: clinical testing. Allele origin: germline. Observed: 1 variant allele.
Comment: The p.I1909T variant (also known as c.5726T>C), located in coding exon 46 of the FBN1 gene, results from a T to C substitution at nucleotide position 5726. The isoleucine at codon 1909 is replaced by threonine, an amino acid with similar properties. This alteration has been reported in several individuals with Marfan syndrome (Loeys B et al. Arch. Intern. Med., 2001 Nov;161:2447-54; Baetens M et al. Hum. Mutat., 2011 Sep;32:1053-62; Ambry internal data). This amino acid position is not well conserved in available vertebrate species; however, all available vertebrate species have either isoleucine or the highly similar valine as the reference amino acid. In addition, this alteration is predicted to be deleterious by in silico analysis. Based on the majority of available evidence to date, this variant is likely to be pathogenic.

Center for Medical Genetics Ghent, University of Ghent
Classification: Uncertain significance for Marfan syndrome. Last evaluated: 2017-11-07. Review status: flagged submission. Collection method: clinical testing. Allele origin: germline. Affected: yes. Not counted in ClinVar's aggregate classification.
ClinVar note: Reason: Older and outlier claim with insufficient supporting evidence

Literature cited by the submitters: PubMed 19293843 (cited by Labcorp Genetics (formerly Invitae), Labcorp); PubMed 11700157 (cited by Labcorp Genetics (formerly Invitae), Labcorp and Ambry Genetics); PubMed 21542060 (cited by Labcorp Genetics (formerly Invitae), Labcorp and Ambry Genetics); PubMed 33230159 (cited by Labcorp Genetics (formerly Invitae), Labcorp); PubMed 31227806 (cited by Ambry Genetics).

NM_000138.5(FBN1):c.5726T>C (p.Ile1909Thr)

Gene: FBN1 (fibrillin 1; minus strand). Cytogenetic location: 15q21.1.
Variant type: single nucleotide variant.
Coding change: c.5726T>C on transcript NM_000138.5 (MANE Select); coding-DNA position 5726, T replaced by C.
Protein change: p.Ile1909Thr; replaces isoleucine 1909 with threonine.
Molecular consequence: missense variant.
Genome position (GRCh38, 1-based): chr15:48,446,768, A>G on the plus strand (T>C on the coding strand, the complement: FBN1 is on the minus strand). VCF-style: chr15-48446768-A-G. GRCh37 (hg19) VCF-style: chr15-48738965-A-G.
Other names: p.I1909T:ATT>ACT; short protein forms I1909T.
Identifiers: ClinVar variation 200189 (VCV000200189.34), dbSNP rs794728333, ClinGen allele CA016007.